The following is an entry in ClinVar:

ClinVar aggregate classification (germline): Uncertain significance (1 of 4 stars; one submission).

Allele frequency attached by ClinVar (database versions not stated): gnomAD exomes 0.00001; TOPMed 0.00004; gnomAD 0.00005.
gnomAD v4.1: 10 of 1,585,454 alleles (0.00063%); highest among the groups gnomAD compares: Admixed American, 0.02%; no homozygotes.

Submission:

Labcorp Genetics (formerly Invitae), Labcorp
Classification: Uncertain significance. Last evaluated: 2022-07-19. Review status: criteria provided, single submitter. Criteria: Invitae Variant Classification Sherloc (09022015). Collection method: clinical testing. Allele origin: germline.
Comment: In summary, the available evidence is currently insufficient to determine the role of this variant in disease. Therefore, it has been classified as a Variant of Uncertain Significance. Algorithms developed to predict the effect of missense changes on protein structure and function are either unavailable or do not agree on the potential impact of this missense change (SIFT: "Tolerated"; PolyPhen-2: "Probably Damaging"; Align-GVGD: "Class C0"). This variant has not been reported in the literature in individuals affected with KAT5-related conditions. This variant is present in population databases (no rsID available, gnomAD 0.01%). This sequence change replaces glycine, which is neutral and non-polar, with alanine, which is neutral and non-polar, at codon 43 of the KAT5 protein (p.Gly43Ala).

NM_182710.3(KAT5):c.128G>C (p.Gly43Ala)

Genes: KAT5 (lysine acetyltransferase 5; plus strand), LOC130006059 (ATAC-STARR-seq lymphoblastoid silent region 3551; plus strand). Cytogenetic location: 11q13.1.
Variant type: single nucleotide variant.
Coding change: c.128G>C on transcript NM_182710.3 (MANE Select); coding-DNA position 128, G replaced by C.
Protein change: p.Gly43Ala; replaces glycine 43 with alanine.
Molecular consequence: missense variant.
Genome position (GRCh38, 1-based): chr11:65,712,395, G>C. VCF-style: chr11-65712395-G-C. GRCh37 (hg19) VCF-style: chr11-65479866-G-C.
Other names: c.128G>C, p.Gly43Ala (NM_001206833.2); c.29G>C, p.Gly10Ala (NM_006388.4, NM_182709.3); short protein forms G10A, G43A.
Identifiers: ClinVar variation 2168724 (VCV002168724.4), dbSNP rs1438880602, ClinGen allele CA381277200.